The following is an entry in ClinVar:

ClinVar aggregate classification (germline): Uncertain significance (1 of 4 stars; one submission).

Conditions:
ALG11-congenital disorder of glycosylation. Also called: CONGENITAL DISORDER OF GLYCOSYLATION, TYPE Ip; ALG11-CDG. Identifiers: Orphanet 280071, MedGen C3150913, MONDO:0013349, OMIM 613661.

gnomAD v4.1: 3 of 1,614,046 alleles (0.00019%); highest among the groups gnomAD compares: Non-Finnish European, 0.00025%; no homozygotes.

Submission:

Labcorp Genetics (formerly Invitae), Labcorp
Classification: Uncertain significance for ALG11-congenital disorder of glycosylation. Last evaluated: 2022-12-31. Review status: criteria provided, single submitter. Criteria: Invitae Variant Classification Sherloc (09022015). Collection method: clinical testing. Allele origin: germline.
Comment: In summary, the available evidence is currently insufficient to determine the role of this variant in disease. Therefore, it has been classified as a Variant of Uncertain Significance. Experimental studies and prediction algorithms are not available or were not evaluated, and the functional significance of this variant is currently unknown. This variant has not been reported in the literature in individuals affected with ALG11-related conditions. This variant is not present in population databases (gnomAD no frequency). This sequence change creates a premature translational stop signal (p.Glu488*) in the ALG11 gene. While this is not anticipated to result in nonsense mediated decay, it is expected to disrupt the last 5 amino acid(s) of the ALG11 protein.

NM_001004127.3(ALG11):c.1462G>T (p.Glu488Ter)

Genes: UTP14C (UTP14C small subunit processome component; plus strand), ALG11 (ALG11 alpha-1,2-mannosyltransferase; plus strand). Cytogenetic location: 13q14.3.
Variant type: single nucleotide variant.
Coding change: c.1462G>T on transcript NM_001004127.3 (MANE Select); coding-DNA position 1462, G replaced by T.
Protein change: p.Glu488Ter; replaces glutamic acid 488 with a stop codon.
Molecular consequence: nonsense. On other transcripts: non-coding transcript variant (1), 5 prime UTR variant (1).
Genome position (GRCh38, 1-based): chr13:52,028,573, G>T. VCF-style: chr13-52028573-G-T. GRCh37 (hg19) VCF-style: chr13-52602709-G-T.
Other names: c.-232G>T (NM_021645.6); short protein forms E488*.
Identifiers: ClinVar variation 2825149 (VCV002825149.3), dbSNP rs1002249932, ClinGen allele CA388026217.